The following is an entry in ClinVar:

NM_000174.5(GP9):c.18C>T (p.Ala6=)

Gene: GP9 (glycoprotein IX platelet; plus strand). Cytogenetic location: 3q21.3.
Variant type: single nucleotide variant.
Coding change: c.18C>T on transcript NM_000174.5 (MANE Select); coding-DNA position 18, C replaced by T.
Protein change: p.Ala6=; no amino-acid change (alanine 6 retained).
Molecular consequence: synonymous variant.
Genome position (GRCh38, 1-based): chr3:129,061,757, C>T. VCF-style: chr3-129061757-C-T. GRCh37 (hg19) VCF-style: chr3-128780600-C-T.
Other names: NM_000174.5(GP9):c.18C>T; p.Ala6=.
Identifiers: ClinVar variation 902701 (VCV000902701.13), dbSNP rs200376043, ClinGen allele CA2602623.

ClinVar aggregate classification (germline): Benign. Review status: reviewed by expert panel (3 of 4 stars). 3 submissions from 3 submitters: Benign (1). 2 of the submissions do not count toward it. Last evaluated 2026-01-20.

Conditions:
Bernard Soulier syndrome (BSS). Also called: BLEEDING DISORDER, PLATELET-TYPE, 1; GLYCOPROTEIN Ib, PLATELET, DEFICIENCY OF; PLATELET GLYCOPROTEIN Ib DEFICIENCY; VON WILLEBRAND FACTOR RECEPTOR DEFICIENCY; Platelet Glycoprotein 1b, Deficiency of; Giant platelet syndrome. Identifiers: Orphanet 274, MedGen C0005129, MeSH D001606, MONDO:0009276, OMIM 231200.

Allele frequency attached by ClinVar (database versions not stated): TOPMed 0.00003; gnomAD 0.00005 and 0.00004; gnomAD exomes 0.00002 and 0.00005; ExAC 0.00003; 1000 Genomes Project 30x 0.00031; 1000 Genomes Project 0.00040.
gnomAD v4.1: 81 of 1,612,886 alleles (0.005%); highest among the groups gnomAD compares: East Asian, 0.15%; no homozygotes.

Submissions (3):

ClinGen Platelet Disorders Variant Curation Expert Panel, ClinGen
Classification: Benign for Bernard Soulier syndrome. Last evaluated: 2026-01-20. Review status: reviewed by expert panel. Criteria: ClinGen Platelet ACMG Specifications GP9 V1.0.0. Collection method: curation. Allele origin: germline. Inheritance: Autosomal recessive inheritance.
Comment: The c.18C>T (p.Ala6=) variant in GP9 is a synonymous variant that is not predicted by SpliceAI to impact splicing (score <0.1). In addition, it occurs at a nucleotide that is not highly conserved as shown by phyloP score of -0.7486 (BP7 and BP4). The Grpmax Filtering allele frequency in gnomAD v4.1.0 is 0.001318 (based on 68/44866 alleles) in the South Asian population, which is higher than the ClinGen PD VCEP threshold (>0.001), and therefore meets this criterion (BA1). This variant was observed by Illumina as part of a predisposition screen in an ostensibly healthy population, however, no cases of the variant segregating in Bernard Soulier Syndrome have been found in the literature. In summary, this variant meets the criteria to be classified as Benign for autosomal recessive Bernard-Soulier syndrome based on the ACMG/AMP criteria applied, as specified by the ClinGen PD VCEP: BA1, BP4 and BP7 (VCEP specifications version 1).

Labcorp Genetics (formerly Invitae), Labcorp
Classification: Likely benign. Last evaluated: 2026-01-06. Review status: criteria provided, single submitter. Criteria: Invitae Variant Classification Sherloc (09022015). Collection method: clinical testing. Allele origin: germline. Not counted in ClinVar's aggregate classification.

Illumina Laboratory Services, Illumina
Classification: Uncertain significance for Bernard Soulier syndrome. Last evaluated: 2018-01-12. Review status: criteria provided, single submitter. Criteria: ICSL Variant Classification Criteria 13 December 2019. Collection method: clinical testing. Allele origin: germline. Not counted in ClinVar's aggregate classification.